The following is an entry in ClinVar:

ClinVar aggregate classification (germline): Uncertain significance (1 of 4 stars; one submission).

Conditions:
3-methylglutaconic aciduria, type VIIB (MGCA7B). Also called: CLPB Deficiency; 3-methylglutaconic aciduria with cataracts, neurologic involvement and neutropenia; 3-methylglutaconic aciduria, type VII, with cataracts, neurologic involvement and neutropenia. Identifiers: Orphanet 445038, MedGen C5676893, MONDO:0014561, OMIM 616271.

Allele frequency attached by ClinVar (database versions not stated): gnomAD exomes below 0.00001; ExAC 0.00001; gnomAD 0.00001.
gnomAD v4.1: 2 of 1,613,358 alleles (0.00012%); highest among the groups gnomAD compares: South Asian, 0.0022%; no homozygotes.

Submission:

Labcorp Genetics (formerly Invitae), Labcorp
Classification: Uncertain significance for 3-methylglutaconic aciduria, type VIIB. Last evaluated: 2022-05-05. Review status: criteria provided, single submitter. Criteria: Invitae Variant Classification Sherloc (09022015). Collection method: clinical testing. Allele origin: germline.
Comment: In summary, the available evidence is currently insufficient to determine the role of this variant in disease. Therefore, it has been classified as a Variant of Uncertain Significance. Algorithms developed to predict the effect of missense changes on protein structure and function are either unavailable or do not agree on the potential impact of this missense change (SIFT: "Deleterious"; PolyPhen-2: "Benign"; Align-GVGD: "Class C0"). This variant has not been reported in the literature in individuals affected with CLPB-related conditions. This variant is present in population databases (rs747534297, gnomAD 0.003%). This sequence change replaces aspartic acid, which is acidic and polar, with glycine, which is neutral and non-polar, at codon 252 of the CLPB protein (p.Asp252Gly).

NM_001258392.3(CLPB):c.665A>G (p.Asp222Gly)

Gene: CLPB (ClpB family mitochondrial disaggregase; minus strand). Cytogenetic location: 11q13.4.
Variant type: single nucleotide variant.
Coding change: c.665A>G on transcript NM_001258392.3 (MANE Select); coding-DNA position 665, A replaced by G.
Protein change: p.Asp222Gly; replaces aspartic acid 222 with glycine.
Molecular consequence: missense variant.
Genome position (GRCh38, 1-based): chr11:72,358,990, T>C on the plus strand (A>G on the coding strand, the complement: CLPB is on the minus strand). VCF-style: chr11-72358990-T-C. GRCh37 (hg19) VCF-style: chr11-72070034-T-C.
Other names: c.578A>G, p.Asp193Gly (NM_001258393.3); c.620A>G, p.Asp207Gly (NM_001258394.3); c.755A>G, p.Asp252Gly (NM_030813.6); short protein forms D207G, D222G, D193G, D252G.
Identifiers: ClinVar variation 2179437 (VCV002179437.4), dbSNP rs747534297, ClinGen allele CA6171431.